The following is an entry in ClinVar:

ClinVar aggregate classification (germline): Conflicting classifications of pathogenicity. Review status: criteria provided, conflicting classifications (1 of 4 stars). 5 submissions from 5 submitters: Uncertain significance (4); Likely benign (1). Last evaluated 2026-06-15.

Conditions:
Polyps, multiple and recurrent inflammatory fibroid, gastrointestinal. Identifiers: MedGen C5193005, MONDO:0008285, OMIM 175510.
Gastrointestinal stromal tumor. Also called: Gastrointestinal stromal tumor, somatic; Gastrointestinal stroma tumor. Identifiers: Orphanet 44890, MedGen C0238198, MeSH D046152, MONDO:0011719, OMIM 606764, HP:0100723.
Hereditary cancer-predisposing syndrome. Also called: Neoplastic Syndromes, Hereditary; Hereditary Cancer Syndrome; Hereditary neoplastic syndrome; Tumor predisposition. Identifiers: Orphanet 140162, MedGen C0027672, MeSH D009386, MONDO:0015356.
Idiopathic hypereosinophilic syndrome (HES). Identifiers: Orphanet 3260, MedGen C0206141, MONDO:0011895, OMIM 607685. Disease mechanism: gain of function.

Allele frequency attached by ClinVar (database versions not stated): gnomAD exomes below 0.00001 and 0.00001; ExAC 0.00001; gnomAD 0.00001; TOPMed 0.00001.
gnomAD v4.1: 3 of 1,613,858 alleles (0.00019%); highest among the groups gnomAD compares: Non-Finnish European, 0.00025%; no homozygotes.

Submissions (5):

Myriad Genetics, Inc.
Classification: Likely benign for Polyps, multiple and recurrent inflammatory fibroid, gastrointestinal. Last evaluated: 2026-06-15. Review status: criteria provided, single submitter. Criteria: Myriad Autosomal Dominant, Autosomal Recessive and X-Linked Classification Criteria (2023). Collection method: clinical testing. Allele origin: unknown.
Comment: This variant is considered likely benign. This variant has been observed at a population frequency that is significantly greater than expected given the associated disease prevalence and penetrance.

Labcorp Genetics (formerly Invitae), Labcorp
Classification: Uncertain significance for Gastrointestinal stromal tumor. Last evaluated: 2025-11-13. Review status: criteria provided, single submitter. Criteria: Invitae Variant Classification Sherloc (09022015). Collection method: clinical testing. Allele origin: germline.
Comment: This sequence change replaces lysine, which is basic and polar, with threonine, which is neutral and polar, at codon 492 of the PDGFRA protein (p.Lys492Thr). This variant is present in population databases (rs754824764, gnomAD 0.002%). This variant has not been reported in the literature in individuals affected with PDGFRA-related conditions. ClinVar contains an entry for this variant (Variation ID: 407416). Invitae Evidence Modeling of protein sequence and biophysical properties (such as structural, functional, and spatial information, amino acid conservation, physicochemical variation, residue mobility, and thermodynamic stability) indicates that this missense variant is not expected to disrupt PDGFRA protein function with a negative predictive value of 80%. In summary, the available evidence is currently insufficient to determine the role of this variant in disease. Therefore, it has been classified as a Variant of Uncertain Significance.

Ambry Genetics
Classification: Uncertain significance for Hereditary cancer-predisposing syndrome. Last evaluated: 2025-09-20. Review status: criteria provided, single submitter. Criteria: Ambry Variant Classification Scheme 2023. Collection method: clinical testing. Allele origin: germline.
Comment: The p.K492T variant (also known as c.1475A>C), located in coding exon 9 of the PDGFRA gene, results from an A to C substitution at nucleotide position 1475. The lysine at codon 492 is replaced by threonine, an amino acid with similar properties. This amino acid position is not well conserved in available vertebrate species. In addition, this alteration is predicted to be tolerated by in silico analysis. Since supporting evidence is limited at this time, the clinical significance of this alteration remains unclear.

Fulgent Genetics
Classification: Uncertain significance for Polyps, multiple and recurrent inflammatory fibroid, gastrointestinal; Idiopathic hypereosinophilic syndrome. Last evaluated: 2024-04-26. Review status: criteria provided, single submitter. Criteria: ACMG Guidelines, 2015. Collection method: clinical testing. Allele origin: germline.

Baylor Genetics
Classification: Uncertain significance for Polyps, multiple and recurrent inflammatory fibroid, gastrointestinal. Last evaluated: 2024-02-18. Review status: criteria provided, single submitter. Criteria: ACMG Guidelines, 2015. Collection method: clinical testing. Allele origin: unknown.

NM_006206.6(PDGFRA):c.1475A>C (p.Lys492Thr)

Gene: PDGFRA (platelet derived growth factor receptor alpha; plus strand). Cytogenetic location: 4q12.
Variant type: single nucleotide variant.
Coding change: c.1475A>C on transcript NM_006206.6 (MANE Select); coding-DNA position 1475, A replaced by C.
Protein change: p.Lys492Thr; replaces lysine 492 with threonine.
Molecular consequence: missense variant.
Genome position (GRCh38, 1-based): chr4:54,273,647, A>C. VCF-style: chr4-54273647-A-C. GRCh37 (hg19) VCF-style: chr4-55139814-A-C.
Other names: c.1475A>C, p.Lys492Thr (NM_001347827.2, NM_001347829.2); c.1550A>C, p.Lys517Thr (NM_001347828.2); c.1514A>C, p.Lys505Thr (NM_001347830.2); short protein forms K492T, K505T, K517T.
Identifiers: ClinVar variation 407416 (VCV000407416.16), dbSNP rs754824764, ClinGen allele CA2922580.
Genomic context (GRCh38, chr4:54,273,647, plus strand): 5'-TCATCACGGAGATCCACTCCCGAGACAGGAGTACCGTGGAGGGCCGTGTGACTTTCGCCA[A>C]AGTGGAGGAGACCATCGCCGTGCGATGCCTGGCTAAGAATCTCCTTGGAGCTGAGAACCG-3'
Protein context (NP_006197.1, residues 482-502): STVEGRVTFA[Lys492Thr]VEETIAVRCL